The following is an entry in ClinVar:

ClinVar aggregate classification (germline): Likely benign. Review status: criteria provided, multiple submitters, no conflicts (2 of 4 stars). 2 submissions from 2 submitters: Likely benign (2). Last evaluated 2024-03-05.

Allele frequency attached by ClinVar (database versions not stated): gnomAD exomes 0.00002; ExAC 0.00005; ESP Exome Variant Server 0.00009; gnomAD 0.00018; 1000 Genomes Project 0.00026; TOPMed 0.00034; 1000 Genomes Project 30x 0.00042.

Submissions (2):

Blueprint Genetics
Classification: Likely benign. Last evaluated: 2024-03-05. Review status: criteria provided, single submitter. Criteria: ACMG Guidelines, 2015. Collection method: clinical testing. Allele origin: germline.

CeGaT Center for Human Genetics Tuebingen
Classification: Likely benign. Last evaluated: 2022-04-01. Review status: criteria provided, single submitter. Criteria: CeGaT Center For Human Genetics Tuebingen Variant Classification Criteria Version 2. Collection method: clinical testing. Allele origin: germline. Affected: yes. Observed: 1 variant allele.
Comment: IGSF1: BP4, BP7

NM_001555.5(IGSF1):c.2583C>T (p.Ser861=)

Gene: IGSF1 (immunoglobulin superfamily member 1; minus strand). Cytogenetic location: Xq26.1.
Variant type: single nucleotide variant.
Coding change: c.2583C>T on transcript NM_001555.5 (MANE Select); coding-DNA position 2583, C replaced by T.
Protein change: p.Ser861=; no amino-acid change (serine 861 retained).
Molecular consequence: synonymous variant.
Genome position (GRCh38, 1-based): chrX:131,276,964, G>A on the plus strand (C>T on the coding strand, the complement: IGSF1 is on the minus strand). VCF-style: chrX-131276964-G-A. GRCh37 (hg19) VCF-style: chrX-130410938-G-A.
Other names: c.2598C>T, p.Ser866= (NM_001170961.2); c.2556C>T, p.Ser852= (NM_001170962.2).
Identifiers: ClinVar variation 2661440 (VCV002661440.25), dbSNP rs368932840, ClinGen allele CA10517781.